The following is an entry in ClinVar:

NC_000002.11:g.(?_39294749)_(39347583_?)dup

Genes: SOS1 (SOS Ras/Rac guanine nucleotide exchange factor 1; minus strand), LOC129933533 (ATAC-STARR-seq lymphoblastoid silent region 11383; plus strand), LOC129933534 (ATAC-STARR-seq lymphoblastoid active region 15612; plus strand), LOC129933535 (ATAC-STARR-seq lymphoblastoid silent region 11384; plus strand). Cytogenetic location: 2p22.1.
Variant type: Duplication.
Identifiers: ClinVar variation 477659 (VCV000477659.5).

ClinVar aggregate classification (germline): Uncertain significance (1 of 4 stars; one submission).

Conditions:
RASopathy. Also called: rasopathies; Noonan spectrum disorder. Identifiers: Orphanet 536391, MedGen C5555857, MONDO:0021060.

Submission:

Labcorp Genetics (formerly Invitae), Labcorp
Classification: Uncertain significance for RASopathy. Last evaluated: 2019-08-08. Review status: criteria provided, single submitter. Criteria: Invitae Variant Classification Sherloc (09022015). Collection method: clinical testing. Allele origin: germline.
Comment: In summary, the exact genomic location of this variant is unknown and the impact of this duplication on SOS1 protein function has not been established. Therefore, it has been classified as a Variant of Uncertain Significance. Experimental studies and prediction algorithms are not available for this variant, and the functional significance of the duplicated amino acids is currently unknown. This variant has not been reported in the literature in individuals with a SOS1-related disease. This variant is a gross duplication of the genomic region encompassing exons 1-2 of the SOS1 gene. The 5' end of this event is unknown as it extends beyond the assayed region for this gene and therefore may encompass additional genes. The 3' boundary is likely confined to intron 2 of the SOS1 gene.